The following is an entry in ClinVar:

ClinVar aggregate classification (germline): Uncertain significance (1 of 4 stars; one submission).

Conditions:
Hereditary cancer-predisposing syndrome. Also called: Neoplastic Syndromes, Hereditary; Tumor predisposition; Hereditary neoplastic syndrome; Hereditary Cancer Syndrome. Identifiers: Orphanet 140162, MedGen C0027672, MeSH D009386, MONDO:0015356.

Submission:

Ambry Genetics
Classification: Uncertain significance for Hereditary cancer-predisposing syndrome. Last evaluated: 2023-11-11. Review status: criteria provided, single submitter. Criteria: Ambry Variant Classification Scheme 2023. Collection method: clinical testing. Allele origin: germline.
Comment: The p.P346L variant (also known as c.1037C>T), located in coding exon 9 of the BRCA1 gene, results from a C to T substitution at nucleotide position 1037. The proline at codon 346 is replaced by leucine, an amino acid with similar properties. This amino acid position is conserved. In addition, the in silico prediction for this alteration is inconclusive. Since supporting evidence is limited at this time, the clinical significance of this alteration remains unclear.

NM_007294.4(BRCA1):c.1037C>T (p.Pro346Leu)

Gene: BRCA1 (BRCA1 DNA repair associated; minus strand). Cytogenetic location: 17q21.31.
Variant type: single nucleotide variant.
Coding change: c.1037C>T on transcript NM_007294.4 (MANE Select); coding-DNA position 1037, C replaced by T.
Protein change: p.Pro346Leu; replaces proline 346 with leucine.
Molecular consequence: missense variant. On other transcripts: intron variant (137).
Genome position (GRCh38, 1-based): chr17:43,094,494, G>A on the plus strand (C>T on the coding strand, the complement: BRCA1 is on the minus strand). VCF-style: chr17-43094494-G-A. GRCh37 (hg19) VCF-style: chr17-41246511-G-A.
Other names: c.911C>T, p.Pro304Leu (NM_001407671.1, NM_001407672.1, NM_001407673.1 and 11 more transcripts); c.914C>T, p.Pro305Leu (NM_001407674.1, NM_001407675.1, NM_001407648.1 and 19 more transcripts); c.670+1352C>T (NM_001408419.1, NM_001408422.1, NM_001408418.1 and 2 more transcripts); c.787+250C>T (NM_001408403.1, NM_001407983.1, NM_001407975.1 and 19 more transcripts); c.790+247C>T (NM_001408406.1); c.646+250C>T (NM_001408456.1, NM_001408410.1, NM_001408458.1 and 11 more transcripts); c.643+250C>T (NM_001408465.1, NM_001408463.1, NM_001408462.1 and 3 more transcripts); c.577+250C>T (NM_001408482.1, NM_001408484.1, NM_001408478.1 and 9 more transcripts); and 40 more; short protein forms P178L, P218L, P219L, P234L, P235L, P257L, P258L, P275L.
Identifiers: ClinVar variation 3226094 (VCV003226094.1), dbSNP rs1555592620, ClinGen allele CA10599983.
Genomic context (GRCh38, chr17:43,094,494, plus strand): 5'-TCTCTAGGATTCTCTGAGCATGGCAGTTTCTGCTTATTCCATTCTTTTCTCTCACACAGG[G>A]GATCAGCATTCAGATCTACCTTTTTTTCTGTGCTGGGAGTCCGCCTATCATTACATGTTT-3'
Protein context (NP_009225.1, residues 336-356): TEKKVDLNAD[Pro346Leu]LCERKEWNKQ